The following is an entry in ClinVar:

ClinVar aggregate classification (germline): Likely benign. Review status: criteria provided, multiple submitters, no conflicts (2 of 4 stars). 4 submissions from 4 submitters: Likely benign (3). 1 of the submissions does not count toward it. Last evaluated 2024-10-16.

Conditions:
CD70-related disorder. Also called: CD70-related condition.

Allele frequency attached by ClinVar (database versions not stated): ExAC 0.00087; 1000 Genomes Project 0.00260; ESP Exome Variant Server 0.00284; gnomAD 0.00291; 1000 Genomes Project 30x 0.00297; TOPMed 0.00315.
gnomAD v4.1: 879 of 1,614,158 alleles (0.054%); highest among the groups gnomAD compares: African/African-American, 1%; 2 homozygotes.

Submissions (4):

Blueprint Genetics
Classification: Likely benign. Last evaluated: 2024-10-16. Review status: criteria provided, single submitter. Criteria: ACMG Guidelines, 2015. Collection method: clinical testing. Allele origin: germline.

CeGaT Center for Human Genetics Tuebingen
Classification: Likely benign. Last evaluated: 2023-11-01. Review status: criteria provided, single submitter. Criteria: CeGaT Center For Human Genetics Tuebingen Variant Classification Criteria Version 2. Collection method: clinical testing. Allele origin: germline. Affected: yes. Observed: 1 variant allele.
Comment: CD70: BP4, BP7

Breakthrough Genomics
Classification: Likely benign. Review status: criteria provided, single submitter. Criteria: ACMG Guidelines, 2015. Collection method: not provided. Allele origin: germline. Inheritance: Autosomal recessive inheritance. Affected: yes.

PreventionGenetics, part of Exact Sciences
Classification: Benign for CD70-related condition. Last evaluated: 2019-06-06. Review status: no assertion criteria provided. Collection method: clinical testing. Allele origin: germline. Not counted in ClinVar's aggregate classification.
Comment: This variant is classified as benign based on ACMG/AMP sequence variant interpretation guidelines (Richards et al. 2015 PMID: 25741868, with internal and published modifications).

NM_001252.5(CD70):c.423C>T (p.Ser141=)

Gene: CD70 (CD70 molecule; minus strand). Cytogenetic location: 19p13.3.
Variant type: single nucleotide variant.
Coding change: c.423C>T on transcript NM_001252.5 (MANE Select); coding-DNA position 423, C replaced by T.
Protein change: p.Ser141=; no amino-acid change (serine 141 retained).
Molecular consequence: synonymous variant.
Genome position (GRCh38, 1-based): chr19:6,586,179, G>A on the plus strand (C>T on the coding strand, the complement: CD70 is on the minus strand). VCF-style: chr19-6586179-G-A. GRCh37 (hg19) VCF-style: chr19-6586190-G-A.
Other names: c.423C>T, p.Ser141= (NM_001330332.2); c.423C>T (NM_001252.4).
Identifiers: ClinVar variation 2672737 (VCV002672737.26), dbSNP rs34080876, ClinGen allele CA9127814.